The following is an entry in ClinVar:

ClinVar aggregate classification (germline): Uncertain significance. Review status: criteria provided, multiple submitters, no conflicts (2 of 4 stars). 3 submissions from 3 submitters: Uncertain significance (3). Last evaluated 2025-03-07.

Conditions:
GNE myopathy (NM). Also called: MYOPATHY, DISTAL, WITH OR WITHOUT RIMMED VACUOLES; INCLUSION BODY MYOPATHY, HEREDITARY, AUTOSOMAL RECESSIVE; INCLUSION BODY MYOPATHY 2, AUTOSOMAL RECESSIVE; NONAKA DISTAL MYOPATHY; IBM 2; Inclusion body myopathy autosomal recessive. Identifiers: Orphanet 602, MedGen C1853926, MONDO:0011603, OMIM 605820.
Sialuria. Also called: Sialic Acid Storage Disease; SIALURIA, FRENCH TYPE. Identifiers: Orphanet 3166, MedGen C0342853, MONDO:0010028, OMIM 269921.

Allele frequency attached by ClinVar (database versions not stated): gnomAD exomes below 0.00001.
gnomAD v4.1: 4 of 1,613,302 alleles (0.00025%); highest among the groups gnomAD compares: East Asian, 0.0045%; no homozygotes.

Submissions (3):

Labcorp Genetics (formerly Invitae), Labcorp
Classification: Uncertain significance for Sialuria; GNE myopathy. Last evaluated: 2025-03-07. Review status: criteria provided, single submitter. Criteria: Invitae Variant Classification Sherloc (09022015). Collection method: clinical testing. Allele origin: germline.
Comment: This sequence change replaces glycine, which is neutral and non-polar, with glutamic acid, which is acidic and polar, at codon 576 of the GNE protein (p.Gly576Glu). This variant is not present in population databases (gnomAD no frequency). This variant has not been reported in the literature in individuals affected with GNE-related conditions. ClinVar contains an entry for this variant (Variation ID: 2432211). An algorithm developed to predict the effect of missense changes on protein structure and function (PolyPhen-2) suggests that this variant is likely to be disruptive. Algorithms developed to predict the effect of sequence changes on RNA splicing suggest that this variant may disrupt the consensus splice site. In summary, the available evidence is currently insufficient to determine the role of this variant in disease. Therefore, it has been classified as a Variant of Uncertain Significance.

Revvity Omics, Revvity
Classification: Uncertain significance. Last evaluated: 2022-04-01. Review status: criteria provided, single submitter. Criteria: ACMG Guidelines, 2015. Collection method: clinical testing. Allele origin: germline.

Blueprint Genetics
Classification: Uncertain significance. Last evaluated: 2017-06-26. Review status: criteria provided, single submitter. Criteria: ACMG Guidelines, 2015. Collection method: clinical testing. Allele origin: germline.

NM_005476.7(GNE):c.1634G>A (p.Gly545Glu)

Gene: GNE (glucosamine (UDP-N-acetyl)-2-epimerase/N-acetylmannosamine kinase; minus strand). Cytogenetic location: 9p13.3.
Variant type: single nucleotide variant.
Coding change: c.1634G>A on transcript NM_005476.7 (MANE Select); coding-DNA position 1634, G replaced by A.
Protein change: p.Gly545Glu; replaces glycine 545 with glutamic acid.
Molecular consequence: missense variant.
Genome position (GRCh38, 1-based): chr9:36,220,020, C>T on the plus strand (G>A on the coding strand, the complement: GNE is on the minus strand). VCF-style: chr9-36220020-C-T. GRCh37 (hg19) VCF-style: chr9-36220017-C-T.
Other names: c.1727G>A, p.Gly576Glu (NM_001128227.3); c.1412G>A, p.Gly471Glu (NM_001190383.3); c.1304G>A, p.Gly435Glu (NM_001190384.3); c.1457G>A, p.Gly486Glu (NM_001190388.2, NM_001374798.1); c.1481G>A, p.Gly494Glu (NM_001374797.1); short protein forms G435E, G471E, G486E, G494E, G545E, G576E.
Identifiers: ClinVar variation 2432211 (VCV002432211.5), dbSNP rs2489605433, ClinGen allele CA373425927.